The following is an entry in ClinVar:

NM_001999.4(FBN2):c.82G>C (p.Gly28Arg)

Gene: FBN2 (fibrillin 2; minus strand). Cytogenetic location: 5q23.3.
Variant type: single nucleotide variant.
Coding change: c.82G>C on transcript NM_001999.4 (MANE Select); coding-DNA position 82, G replaced by C.
Protein change: p.Gly28Arg; replaces glycine 28 with arginine.
Molecular consequence: missense variant.
Genome position (GRCh38, 1-based): chr5:128,537,522, C>G on the plus strand (G>C on the coding strand, the complement: FBN2 is on the minus strand). VCF-style: chr5-128537522-C-G. GRCh37 (hg19) VCF-style: chr5-127873215-C-G.
Other names: short protein forms G28R.
Identifiers: ClinVar variation 905735 (VCV000905735.6), dbSNP rs772841538, ClinGen allele CA360763033.

ClinVar aggregate classification (germline): Uncertain significance. Review status: criteria provided, multiple submitters, no conflicts (2 of 4 stars). 2 submissions from 2 submitters: Uncertain significance (2). Last evaluated 2026-01-05.

Conditions:
Congenital contractural arachnodactyly (CCA). Also called: BEALS SYNDROME; Beals-Hecht syndrome; Arthrogryposis, distal, type 9. Identifiers: Orphanet 115, MedGen C0220668, MONDO:0007363, OMIM 121050.

gnomAD v4.1: 3 of 1,577,622 alleles (0.00019%); highest among the groups gnomAD compares: Non-Finnish European, 0.00017%; no homozygotes.

Submissions (2):

Labcorp Genetics (formerly Invitae), Labcorp
Classification: Uncertain significance for Congenital contractural arachnodactyly. Last evaluated: 2026-01-05. Review status: criteria provided, single submitter. Criteria: Invitae Variant Classification Sherloc (09022015). Collection method: clinical testing. Allele origin: germline.
Comment: This sequence change replaces glycine, which is neutral and non-polar, with arginine, which is basic and polar, at codon 28 of the FBN2 protein (p.Gly28Arg). This variant is not present in population databases (gnomAD no frequency). This variant has not been reported in the literature in individuals affected with FBN2-related conditions. ClinVar contains an entry for this variant (Variation ID: 905735). Invitae Evidence Modeling of protein sequence and biophysical properties (such as structural, functional, and spatial information, amino acid conservation, physicochemical variation, residue mobility, and thermodynamic stability) indicates that this missense variant is not expected to disrupt FBN2 protein function with a negative predictive value of 95%. In summary, the available evidence is currently insufficient to determine the role of this variant in disease. Therefore, it has been classified as a Variant of Uncertain Significance.

Illumina Laboratory Services, Illumina
Classification: Uncertain significance for Congenital contractural arachnodactyly. Last evaluated: 2018-03-16. Review status: criteria provided, single submitter. Criteria: ICSL Variant Classification Criteria 13 December 2019. Collection method: clinical testing. Allele origin: germline.